The following is an entry in ClinVar:

NM_001355436.2(SPTB):c.5993G>A (p.Trp1998Ter)

Gene: SPTB (spectrin beta, erythrocytic; minus strand). Cytogenetic location: 14q23.3.
Variant type: single nucleotide variant.
Coding change: c.5993G>A on transcript NM_001355436.2 (MANE Select); coding-DNA position 5993, G replaced by A.
Protein change: p.Trp1998Ter; replaces tryptophan 1998 with a stop codon.
Molecular consequence: nonsense.
Genome position (GRCh38, 1-based): chr14:64,769,063, C>T on the plus strand (G>A on the coding strand, the complement: SPTB is on the minus strand). VCF-style: chr14-64769063-C-T. GRCh37 (hg19) VCF-style: chr14-65235781-C-T.
Other names: p.Trp1998*; c.5993G>A, p.Trp1998Ter (NM_001024858.4, NM_001355437.2); short protein forms W1998*.
Identifiers: ClinVar variation 3381109 (VCV003381109.1).
Genomic context (GRCh38, chr14:64,769,063, plus strand): 5'-CCCTGGGCCCTGGCTCCAGGGCTGTACTCACACATGCGGAGCCGCTCCCAGCGGGCTTCC[C>T]ACTTCTCATTCATCTCTTTCCTCCTGGACATCACCTGCTGCAGTTTCTCGCGGATCTATG-3'

ClinVar aggregate classification (germline): Likely pathogenic (1 of 4 stars; one submission).

Submission:

Mayo Clinic Laboratories, Mayo Clinic
Classification: Likely pathogenic. Last evaluated: 2023-08-29. Review status: criteria provided, single submitter. Criteria: ACMG Guidelines, 2015. Collection method: clinical testing. Allele origin: germline. Observed: 1 variant allele.
Comment: PM2_moderate, PVS1